The following is an entry in ClinVar:

ClinVar aggregate classification (germline): Uncertain significance (1 of 4 stars; one submission).

Conditions:
Congenital myasthenic syndrome 10. Also called: Myasthenia, limb-girdle, familial. Identifiers: Orphanet 590, MedGen C1850792, MONDO:0009690, OMIM 254300.
Fetal akinesia deformation sequence 1 (FADS1). Also called: Pena-Shokeir syndrome type I; Fetal akinesia sequence. Identifiers: Orphanet 994, MedGen C1276035, MONDO:0100101, OMIM 208150, HP:0001989.

Allele frequency attached by ClinVar (database versions not stated): TOPMed below 0.00001; gnomAD 0.00003; gnomAD exomes 0.00003; ExAC 0.00006.

Submission:

Labcorp Genetics (formerly Invitae), Labcorp
Classification: Uncertain significance for Congenital myasthenic syndrome 10; Fetal akinesia deformation sequence 1. Last evaluated: 2022-05-21. Review status: criteria provided, single submitter. Criteria: Invitae Variant Classification Sherloc (09022015). Collection method: clinical testing. Allele origin: germline.
Comment: This sequence change replaces threonine, which is neutral and polar, with methionine, which is neutral and non-polar, at codon 149 of the DOK7 protein (p.Thr149Met). This variant is present in population databases (rs769959118, gnomAD 0.03%). This variant has not been reported in the literature in individuals affected with DOK7-related conditions. Algorithms developed to predict the effect of missense changes on protein structure and function output the following: SIFT: "Tolerated"; PolyPhen-2: "Benign"; Align-GVGD: "Class C0". The methionine amino acid residue is found in multiple mammalian species, which suggests that this missense change does not adversely affect protein function. In summary, the available evidence is currently insufficient to determine the role of this variant in disease. Therefore, it has been classified as a Variant of Uncertain Significance.

NM_173660.5(DOK7):c.446C>T (p.Thr149Met)

Gene: DOK7 (docking protein 7; plus strand). Cytogenetic location: 4p16.3.
Variant type: single nucleotide variant.
Coding change: c.446C>T on transcript NM_173660.5 (MANE Select); coding-DNA position 446, C replaced by T.
Protein change: p.Thr149Met; replaces threonine 149 with methionine.
Molecular consequence: missense variant. On other transcripts: intron variant (1).
Genome position (GRCh38, 1-based): chr4:3,476,456, C>T. VCF-style: chr4-3476456-C-T. GRCh37 (hg19) VCF-style: chr4-3478183-C-T.
Other names: c.446C>T, p.Thr149Met (NM_001164673.2, NM_001301071.2); c.101-9083C>T (NM_001363811.2); short protein forms T149M.
Identifiers: ClinVar variation 2419808 (VCV002419808.5), dbSNP rs769959118, ClinGen allele CA2828999.
Genomic context (GRCh38, chr4:3,476,456, plus strand): 5'-CTACCCTGCACCTCTGCAATGATGTCCTCGTCTTGGCCAGGGACATCCCCCCGGCTGTCA[C>T]GGGGCAGTGGAAGCTGTCTGACCTCCGGCGCTACGGGGCCGTGCCAAGCGGATTCATCTT-3'
Protein context (NP_775931.3, residues 139-159): VLARDIPPAV[Thr149Met]GQWKLSDLRR